The following is an entry in ClinVar:

NM_015602.4(TOR1AIP1):c.140C>T (p.Thr47Ile)

Genes: TOR1AIP1 (torsin 1A interacting protein 1; plus strand), LOC112577517 (Sharpr-MPRA regulatory region 13766; plus strand). Cytogenetic location: 1q25.2.
Variant type: single nucleotide variant.
Coding change: c.140C>T on transcript NM_015602.4 (MANE Select); coding-DNA position 140, C replaced by T.
Protein change: p.Thr47Ile; replaces threonine 47 with isoleucine.
Molecular consequence: missense variant.
Genome position (GRCh38, 1-based): chr1:179,882,642, C>T. VCF-style: chr1-179882642-C-T. GRCh37 (hg19) VCF-style: chr1-179851777-C-T.
Other names: c.140C>T, p.Thr47Ile (NM_001267578.2); short protein forms T47I.
Identifiers: ClinVar variation 2174524 (VCV002174524.4), dbSNP rs754827433, ClinGen allele CA1268666.

ClinVar aggregate classification (germline): Uncertain significance (1 of 4 stars; one submission).

Conditions:
Autosomal recessive limb-girdle muscular dystrophy type 2Y (MRRSDC). Also called: Muscular dystrophy, autosomal recessive, with rigid spine and distal joint contractures; Muscular dystrophy, limb-girdle, type 2y. Identifiers: Orphanet 424261, MedGen C4511482, MONDO:0014900, OMIM 617072.

Allele frequency attached by ClinVar (database versions not stated): ExAC 0.00001; gnomAD 0.00001.
gnomAD v4.1: 4 of 1,570,742 alleles (0.00025%); highest among the groups gnomAD compares: Non-Finnish European, 0.00026%; no homozygotes.

Submission:

Labcorp Genetics (formerly Invitae), Labcorp
Classification: Uncertain significance for Autosomal recessive limb-girdle muscular dystrophy type 2Y. Last evaluated: 2023-11-27. Review status: criteria provided, single submitter. Criteria: Invitae Variant Classification Sherloc (09022015). Collection method: clinical testing. Allele origin: germline.
Comment: This sequence change replaces threonine, which is neutral and polar, with isoleucine, which is neutral and non-polar, at codon 47 of the TOR1AIP1 protein (p.Thr47Ile). This variant is present in population databases (rs754827433, gnomAD 0.005%). This variant has not been reported in the literature in individuals affected with TOR1AIP1-related conditions. ClinVar contains an entry for this variant (Variation ID: 2174524). Algorithms developed to predict the effect of missense changes on protein structure and function output the following: SIFT: "Not Available"; PolyPhen-2: "Benign"; Align-GVGD: "Not Available". The isoleucine amino acid residue is found in multiple mammalian species, which suggests that this missense change does not adversely affect protein function. In summary, the available evidence is currently insufficient to determine the role of this variant in disease. Therefore, it has been classified as a Variant of Uncertain Significance.